The following is an entry in ClinVar:

ClinVar aggregate classification (germline): Pathogenic (1 of 4 stars; one submission).

Conditions:
Hereditary diffuse gastric adenocarcinoma (HDGC). Also called: DIFFUSE GASTRIC AND LOBULAR BREAST CANCER SYNDROME. Identifiers: Orphanet 26106, MedGen C1708349, MONDO:0007648, OMIM 137215.

Submission:

Labcorp Genetics (formerly Invitae), Labcorp
Classification: Pathogenic for Hereditary diffuse gastric adenocarcinoma. Last evaluated: 2022-07-02. Review status: criteria provided, single submitter. Criteria: Invitae Variant Classification Sherloc (09022015). Collection method: clinical testing. Allele origin: germline.
Comment: This variant is not present in population databases (gnomAD no frequency). For these reasons, this variant has been classified as Pathogenic. This variant has not been reported in the literature in individuals affected with CDH1-related conditions. This sequence change creates a premature translational stop signal (p.Asp569Metfs*14) in the CDH1 gene. It is expected to result in an absent or disrupted protein product. Loss-of-function variants in CDH1 are known to be pathogenic (PMID: 15235021, 20373070).

Literature cited by the submitters: PubMed 15235021; PubMed 20373070.

NM_004360.5(CDH1):c.1705_1708del (p.Asp569fs)

Gene: CDH1 (cadherin 1; plus strand). Cytogenetic location: 16q22.1.
Variant type: Deletion.
Coding change: c.1705_1708del on transcript NM_004360.5 (MANE Select); coding-DNA positions 1705 to 1708, 4 bases deleted (GACA; older notation c.1705_1708delGACA).
Protein change: p.Asp569fs; shifts the reading frame from aspartic acid 569.
Molecular consequence: frameshift variant. On other transcripts: intron variant (1).
Genome position (GRCh38, 1-based): chr16:68,819,419-68,819,422, GACA deleted; deleting any 4 consecutive bases within chr16:68,819,416-68,819,422 gives the same sequence; the c. name uses the placement nearest the transcript's 3' end. VCF-style (leftmost placement, unchanged base first): chr16-68819415-TACAG-T. GRCh37 (hg19) VCF-style: chr16-68853318-TACAG-T.
Other names: c.1522_1525del, p.Asp508fs (NM_001317184.2); c.157_160del, p.Asp53fs (NM_001317185.2); c.-254-2582_-254-2579del (NM_001317186.2); short protein forms D569fs, D508fs, D53fs.
Identifiers: ClinVar variation 2013203 (VCV002013203.4), dbSNP rs2543937976, ClinGen allele CA2580092018.
Genomic context (GRCh38, chr16:68,819,415, plus strand): 5'-GCTGGACAGGGAGGATTTTGAGCACGTGAAGAACAGCACGTACACAGCCCTAATCATAGC[TACAG>T]ACAATGGTAAGGGGGCCTCATCTGAGCCTTTGCTGCCTCGACCTCCTAGCTAGTTCAGTT-3'